The following is an entry in ClinVar:

NM_000020.3(ACVRL1):c.299C>G (p.Ser100Cys)

Gene: ACVRL1 (activin A receptor like type 1; plus strand). Cytogenetic location: 12q13.13.
Variant type: single nucleotide variant.
Coding change: c.299C>G on transcript NM_000020.3 (MANE Select); coding-DNA position 299, C replaced by G.
Protein change: p.Ser100Cys; replaces serine 100 with cysteine.
Molecular consequence: missense variant.
Genome position (GRCh38, 1-based): chr12:51,913,336, C>G. VCF-style: chr12-51913336-C-G. GRCh37 (hg19) VCF-style: chr12-52307120-C-G.
Other names: c.299C>G, p.Ser100Cys (NM_001077401.2, NM_001406487.1, NM_001406488.1 and 6 more transcripts); short protein forms S100C.
Identifiers: ClinVar variation 1798611 (VCV001798611.2), dbSNP rs2540159286, ClinGen allele CA384898115.
Genomic context (GRCh38, chr12:51,913,336, plus strand): 5'-GCCCCACCGAGTTCGTCAACCACTACTGCTGCGACAGCCACCTCTGCAACCACAACGTGT[C>G]CCTGGTGCTGGAGGGTACGTCCAGCTGCCCTAGCACTCCCTCCCCATCTTCTTGGCCCCT-3'
Protein context (NP_000011.2, residues 90-110): CDSHLCNHNV[Ser100Cys]LVLEATQPPS

ClinVar aggregate classification (germline): Uncertain significance (1 of 4 stars; one submission).

Conditions:
Cardiovascular phenotype. Identifiers: MedGen CN230736.

gnomAD v4.1: 1 of 1,612,380 alleles (0.000062%); highest among the groups gnomAD compares: Non-Finnish European, 0.000085%; no homozygotes.

Submission:

Ambry Genetics
Classification: Uncertain significance for Cardiovascular phenotype. Last evaluated: 2015-10-09. Review status: criteria provided, single submitter. Criteria: Ambry Variant Classification Scheme 2023. Collection method: clinical testing. Allele origin: germline.
Comment: The p.S100C variant (also known as c.299C>G), located in coding exon 2 of the ACVRL1 gene, results from a C to G substitution at nucleotide position 299. The serine at codon 100 is replaced by cysteine, an amino acid with dissimilar properties. This variant was not reported in population based cohorts in the following databases: Database of Single Nucleotide Polymorphisms (dbSNP), NHLBI Exome Sequencing Project (ESP), and 1000 Genomes Project. In the ESP, this variant was not observed in 6500 samples (13000 alleles) with coverage at this position. This amino acid position is highly conserved in available vertebrate species. In addition, this alteration is predicted to be probably damaging by PolyPhen but tolerated by SIFT in silico analyses. Since supporting evidence is limited at this time, the clinical significance of this variant remains unclear.